The following is an entry in ClinVar:

NM_000059.4(BRCA2):c.9997C>T (p.Leu3333Phe)

Gene: BRCA2 (BRCA2 DNA repair associated; plus strand). Cytogenetic location: 13q13.1.
Variant type: single nucleotide variant.
Coding change: c.9997C>T on transcript NM_000059.4 (MANE Select); coding-DNA position 9997, C replaced by T.
Protein change: p.Leu3333Phe; replaces leucine 3333 with phenylalanine.
Molecular consequence: missense variant.
Genome position (GRCh38, 1-based): chr13:32,398,510, C>T. VCF-style: chr13-32398510-C-T. GRCh37 (hg19) VCF-style: chr13-32972647-C-T.
Other names: short protein forms L3333F.
Identifiers: ClinVar variation 963582 (VCV000963582.1), dbSNP rs567476314, ClinGen allele CA387767651.

ClinVar aggregate classification (germline): Uncertain significance (1 of 4 stars; one submission).

Conditions:
Hereditary breast ovarian cancer syndrome. Also called: BRCA1- and BRCA2-Associated Hereditary Breast and Ovarian Cancer; Hereditary breast and ovarian cancer; Hereditary breast and/or ovarian cancer syndrome; Hereditary breast and ovarian cancer syndrome; Hereditary breast and ovarian cancer syndrome (HBOC); Breast and ovarian cancer. Identifiers: Orphanet 145, MedGen C0677776, MeSH D061325, MONDO:0003582. Disease mechanism: loss of function.

Submission:

Labcorp Genetics (formerly Invitae), Labcorp
Classification: Uncertain significance for Hereditary breast and ovarian cancer syndrome. Last evaluated: 2019-11-11. Review status: criteria provided, single submitter. Criteria: Invitae Variant Classification Sherloc (09022015). Collection method: clinical testing. Allele origin: germline.
Comment: This sequence change replaces leucine with phenylalanine at codon 3333 of the BRCA2 protein (p.Leu3333Phe). The leucine residue is moderately conserved and there is a small physicochemical difference between leucine and phenylalanine. This variant is not present in population databases (ExAC no frequency). This variant has not been reported in the literature in individuals with BRCA2-related conditions. Algorithms developed to predict the effect of missense changes on protein structure and function (SIFT, PolyPhen-2, Align-GVGD) all suggest that this variant is likely to be tolerated, but these predictions have not been confirmed by published functional studies and their clinical significance is uncertain. In summary, the available evidence is currently insufficient to determine the role of this variant in disease. Therefore, it has been classified as a Variant of Uncertain Significance.